The following is an entry in ClinVar:

ClinVar aggregate classification (germline): Uncertain significance (1 of 4 stars; one submission).

Allele frequency attached by ClinVar (database versions not stated): gnomAD exomes below 0.00001.
gnomAD v4.1: 2 of 1,612,966 alleles (0.00012%); highest among the groups gnomAD compares: Non-Finnish European, 0.00017%; no homozygotes.

Submission:

Labcorp Genetics (formerly Invitae), Labcorp
Classification: Uncertain significance. Last evaluated: 2023-09-01. Review status: criteria provided, single submitter. Criteria: Invitae Variant Classification Sherloc (09022015). Collection method: clinical testing. Allele origin: germline.
Comment: This variant has not been reported in the literature in individuals affected with SETD5-related conditions. This variant is present in population databases (no rsID available, gnomAD 0.0009%). This sequence change replaces methionine, which is neutral and non-polar, with valine, which is neutral and non-polar, at codon 519 of the SETD5 protein (p.Met519Val). Advanced modeling of protein sequence and biophysical properties (such as structural, functional, and spatial information, amino acid conservation, physicochemical variation, residue mobility, and thermodynamic stability) performed at Invitae indicates that this missense variant is not expected to disrupt SETD5 protein function. In summary, the available evidence is currently insufficient to determine the role of this variant in disease. Therefore, it has been classified as a Variant of Uncertain Significance.

NM_001080517.3(SETD5):c.1555A>G (p.Met519Val)

Gene: SETD5 (SET domain containing 5; plus strand). Cytogenetic location: 3p25.3.
Variant type: single nucleotide variant.
Coding change: c.1555A>G on transcript NM_001080517.3 (MANE Select); coding-DNA position 1555, A replaced by G.
Protein change: p.Met519Val; replaces methionine 519 with valine.
Molecular consequence: missense variant.
Genome position (GRCh38, 1-based): chr3:9,447,080, A>G. VCF-style: chr3-9447080-A-G. GRCh37 (hg19) VCF-style: chr3-9488764-A-G.
Other names: c.1261A>G, p.Met421Val (NM_001292043.2, NM_001349451.2); short protein forms M421V, M519V.
Identifiers: ClinVar variation 2876884 (VCV002876884.3), dbSNP rs1402873911, ClinGen allele CA351695392.
Genomic context (GRCh38, chr3:9,447,080, plus strand): 5'-TCCTTCTACACCAGTACTATCTCTTTCTAGACCAGGGAAGATAGAAAGGTAGAAGCCATC[A>G]TGCATGCTTTTGAAAACTTAGAGAAAAGAAAGAAGCGGCGGGATCAGCCCTTGGAACAGA-3'
Protein context (NP_001073986.1, residues 509-529): TREDRKVEAI[Met519Val]HAFENLEKRK